The following is an entry in ClinVar:

NM_004370.6(COL12A1):c.3802A>G (p.Asn1268Asp)

Gene: COL12A1 (collagen type XII alpha 1 chain; minus strand). Cytogenetic location: 6q13.
Variant type: single nucleotide variant.
Coding change: c.3802A>G on transcript NM_004370.6 (MANE Select); coding-DNA position 3802, A replaced by G.
Protein change: p.Asn1268Asp; replaces asparagine 1268 with aspartic acid.
Molecular consequence: missense variant.
Genome position (GRCh38, 1-based): chr6:75,152,164, T>C on the plus strand (A>G on the coding strand, the complement: COL12A1 is on the minus strand). VCF-style: chr6-75152164-T-C. GRCh37 (hg19) VCF-style: chr6-75861880-T-C.
Other names: c.3802A>G, p.Asn1268Asp (NM_001424113.1, NM_001424114.1); c.3529A>G, p.Asn1177Asp (NM_001424115.1); c.310A>G, p.Asn104Asp (NM_001424116.1, NM_080645.3); short protein forms N1268D, N104D, N1177D.
Identifiers: ClinVar variation 2928062 (VCV002928062.3), dbSNP rs1228339182, ClinGen allele CA364749196.

ClinVar aggregate classification (germline): Uncertain significance (1 of 4 stars; one submission).

Conditions:
Ullrich congenital muscular dystrophy 2 (UCMD2). Identifiers: Orphanet 75840, MedGen C4225314, MONDO:0014654, OMIM 616470.
Bethlem myopathy 2 (BTHLM2). Identifiers: Orphanet 536516, Orphanet 610, MedGen C4225313, MONDO:0034022, OMIM 616471.

Submission:

Labcorp Genetics (formerly Invitae), Labcorp
Classification: Uncertain significance for Bethlem myopathy 2; Ullrich congenital muscular dystrophy 2. Last evaluated: 2023-09-26. Review status: criteria provided, single submitter. Criteria: Invitae Variant Classification Sherloc (09022015). Collection method: clinical testing. Allele origin: germline.
Comment: Advanced modeling of protein sequence and biophysical properties (such as structural, functional, and spatial information, amino acid conservation, physicochemical variation, residue mobility, and thermodynamic stability) performed at Invitae indicates that this missense variant is not expected to disrupt COL12A1 protein function. This sequence change replaces asparagine, which is neutral and polar, with aspartic acid, which is acidic and polar, at codon 1268 of the COL12A1 protein (p.Asn1268Asp). This variant is not present in population databases (gnomAD no frequency). This variant has not been reported in the literature in individuals affected with COL12A1-related conditions. In summary, the available evidence is currently insufficient to determine the role of this variant in disease. Therefore, it has been classified as a Variant of Uncertain Significance.